The following is an entry in ClinVar:

NM_003670.3(BHLHE40):c.879G>A (p.Gln293=)

Gene: BHLHE40 (basic helix-loop-helix family member e40; plus strand). Cytogenetic location: 3p26.1.
Variant type: single nucleotide variant.
Coding change: c.879G>A on transcript NM_003670.3 (MANE Select); coding-DNA position 879, G replaced by A.
Protein change: p.Gln293=; no amino-acid change (glutamine 293 retained).
Molecular consequence: synonymous variant.
Genome position (GRCh38, 1-based): chr3:4,983,332, G>A. VCF-style: chr3-4983332-G-A. GRCh37 (hg19) VCF-style: chr3-5025017-G-A.
Identifiers: ClinVar variation 2653460 (VCV002653460.24), dbSNP rs139295175, ClinGen allele CA2233392.

ClinVar aggregate classification (germline): Likely benign (1 of 4 stars; one submission).

Allele frequency attached by ClinVar (database versions not stated): ExAC 0.00022; 1000 Genomes Project 0.00060; 1000 Genomes Project 30x 0.00062; gnomAD 0.00086; ESP Exome Variant Server 0.00100; TOPMed 0.00107.

Submission:

CeGaT Center for Human Genetics Tuebingen
Classification: Likely benign. Last evaluated: 2022-09-01. Review status: criteria provided, single submitter. Criteria: CeGaT Center For Human Genetics Tuebingen Variant Classification Criteria Version 2. Collection method: clinical testing. Allele origin: germline. Affected: yes. Observed: 1 variant allele.
Comment: BHLHE40: BP4, BP7